The following is an entry in ClinVar:

ClinVar aggregate classification (germline): Uncertain significance (1 of 4 stars; one submission).

Conditions:
Renal cell carcinoma. Identifiers: Orphanet 217071, MedGen C0007134, MeSH D002292, MONDO:0005086, HP:0005584.

Submission:

Labcorp Genetics (formerly Invitae), Labcorp
Classification: Uncertain significance for Renal cell carcinoma. Last evaluated: 2023-12-16. Review status: criteria provided, single submitter. Criteria: Invitae Variant Classification Sherloc (09022015). Collection method: clinical testing. Allele origin: germline.
Comment: This sequence change replaces serine, which is neutral and polar, with leucine, which is neutral and non-polar, at codon 1389 of the MET protein (p.Ser1389Leu). This variant is not present in population databases (gnomAD no frequency). This variant has not been reported in the literature in individuals affected with MET-related conditions. An algorithm developed to predict the effect of missense changes on protein structure and function (PolyPhen-2) suggests that this variant is likely to be disruptive. In summary, the available evidence is currently insufficient to determine the role of this variant in disease. Therefore, it has been classified as a Variant of Uncertain Significance.

NM_000245.4(MET):c.4112C>T (p.Ser1371Leu)

Gene: MET (MET proto-oncogene, receptor tyrosine kinase; plus strand). Cytogenetic location: 7q31.2.
Variant type: single nucleotide variant.
Coding change: c.4112C>T on transcript NM_000245.4 (MANE Select); coding-DNA position 4112, C replaced by T.
Protein change: p.Ser1371Leu; replaces serine 1371 with leucine.
Molecular consequence: missense variant.
Genome position (GRCh38, 1-based): chr7:116,796,063, C>T. VCF-style: chr7-116796063-C-T. GRCh37 (hg19) VCF-style: chr7-116436117-C-T.
Other names: c.4166C>T, p.Ser1389Leu (NM_001127500.3); c.2822C>T, p.Ser941Leu (NM_001324402.2); short protein forms S941L, S1371L, S1389L.
Identifiers: ClinVar variation 2918853 (VCV002918853.3), dbSNP rs781433659, ClinGen allele CA165451057.